The following is an entry in ClinVar:

NM_021813.4(BACH2):c.2411T>C (p.Phe804Ser)

Gene: BACH2 (BACH transcriptional regulator 2; minus strand). Cytogenetic location: 6q15.
Variant type: single nucleotide variant.
Coding change: c.2411T>C on transcript NM_021813.4 (MANE Select); coding-DNA position 2411, T replaced by C.
Protein change: p.Phe804Ser; replaces phenylalanine 804 with serine.
Molecular consequence: missense variant.
Genome position (GRCh38, 1-based): chr6:89,932,523, A>G on the plus strand (T>C on the coding strand, the complement: BACH2 is on the minus strand). VCF-style: chr6-89932523-A-G. GRCh37 (hg19) VCF-style: chr6-90642242-A-G.
Other names: c.2411T>C, p.Phe804Ser (NM_001170794.2); short protein forms F804S.
Identifiers: ClinVar variation 2778319 (VCV002778319.3), dbSNP rs968647499, ClinGen allele CA143034216.

ClinVar aggregate classification (germline): Uncertain significance (1 of 4 stars; one submission).

Allele frequency attached by ClinVar (database versions not stated): gnomAD exomes 0.00001.
gnomAD v4.1: 10 of 1,613,924 alleles (0.00062%); highest among the groups gnomAD compares: Non-Finnish European, 0.00076%; no homozygotes.

Submission:

Labcorp Genetics (formerly Invitae), Labcorp
Classification: Uncertain significance. Last evaluated: 2024-10-21. Review status: criteria provided, single submitter. Criteria: Invitae Variant Classification Sherloc (09022015). Collection method: clinical testing. Allele origin: germline.
Comment: This sequence change replaces phenylalanine, which is neutral and non-polar, with serine, which is neutral and polar, at codon 804 of the BACH2 protein (p.Phe804Ser). This variant is not present in population databases (gnomAD no frequency). This variant has not been reported in the literature in individuals affected with BACH2-related conditions. Invitae Evidence Modeling of protein sequence and biophysical properties (such as structural, functional, and spatial information, amino acid conservation, physicochemical variation, residue mobility, and thermodynamic stability) indicates that this missense variant is not expected to disrupt BACH2 protein function with a negative predictive value of 80%. In summary, the available evidence is currently insufficient to determine the role of this variant in disease. Therefore, it has been classified as a Variant of Uncertain Significance.